The following is an entry in ClinVar:

ClinVar aggregate classification (germline): Likely benign. Review status: criteria provided, multiple submitters, no conflicts (2 of 4 stars). 2 submissions from 2 submitters: Likely benign (2). Last evaluated 2026-08-01.

Allele frequency attached by ClinVar (database versions not stated): gnomAD exomes 0.00054; 1000 Genomes Project 0.00060; ExAC 0.00068; 1000 Genomes Project 30x 0.00078; ESP Exome Variant Server 0.00108; gnomAD 0.00145; TOPMed 0.00217.
gnomAD v4.1: 1,076 of 1,613,746 alleles (0.067%); highest among the groups gnomAD compares: Admixed American, 0.35%; 3 homozygotes.

Submissions (2):

CeGaT Center for Human Genetics Tuebingen
Classification: Likely benign. Last evaluated: 2026-08-01. Review status: criteria provided, single submitter. Criteria: CeGaT Center For Human Genetics Tuebingen Variant Classification Criteria Version 2. Collection method: clinical testing. Allele origin: germline. Affected: yes. Observed: 5 variant alleles.
Comment: ALKBH8: BP4, BP7

Blueprint Genetics
Classification: Likely benign. Last evaluated: 2024-10-08. Review status: criteria provided, single submitter. Criteria: ACMG Guidelines, 2015. Collection method: clinical testing. Allele origin: germline.

NM_138775.3(ALKBH8):c.459G>A (p.Leu153=)

Gene: ALKBH8 (alkB homolog 8, tRNA methyltransferase; minus strand). Cytogenetic location: 11q22.3.
Variant type: single nucleotide variant.
Coding change: c.459G>A on transcript NM_138775.3 (MANE Select); coding-DNA position 459, G replaced by A.
Protein change: p.Leu153=; no amino-acid change (leucine 153 retained).
Molecular consequence: synonymous variant. On other transcripts: non-coding transcript variant (6).
Genome position (GRCh38, 1-based): chr11:107,553,887, C>T on the plus strand (G>A on the coding strand, the complement: ALKBH8 is on the minus strand). VCF-style: chr11-107553887-C-T. GRCh37 (hg19) VCF-style: chr11-107424613-C-T.
Other names: c.459G>A, p.Leu153= (NM_001301010.3, NM_001378133.1).
Identifiers: ClinVar variation 2642353 (VCV002642353.25), dbSNP rs139203483, ClinGen allele CA6261230.